The following is an entry in ClinVar:

ClinVar aggregate classification (germline): Uncertain significance (1 of 4 stars; one submission).

Conditions:
Inborn genetic diseases. Identifiers: MedGen C0950123, MeSH D030342.

Submission:

Ambry Genetics
Classification: Uncertain significance for Inborn genetic diseases. Last evaluated: 2025-06-09. Review status: criteria provided, single submitter. Criteria: Ambry Variant Classification Scheme 2023. Collection method: clinical testing. Allele origin: germline.
Comment: The p.M165T variant (also known as c.494T>C), located in coding exon 4 of the SBDS gene, results from a T to C substitution at nucleotide position 494. The methionine at codon 165 is replaced by threonine, an amino acid with similar properties. This amino acid position is conserved. In addition, this alteration is predicted to be deleterious by in silico analysis. Based on the available evidence, the clinical significance of this variant remains unclear.

NM_016038.4(SBDS):c.494T>C (p.Met165Thr)

Gene: SBDS (SBDS ribosome maturation factor; minus strand). Cytogenetic location: 7q11.21.
Variant type: single nucleotide variant.
Coding change: c.494T>C on transcript NM_016038.4 (MANE Select); coding-DNA position 494, T replaced by C.
Protein change: p.Met165Thr; replaces methionine 165 with threonine.
Molecular consequence: missense variant.
Genome position (GRCh38, 1-based): chr7:66,991,267, A>G on the plus strand (T>C on the coding strand, the complement: SBDS is on the minus strand). VCF-style: chr7-66991267-A-G. GRCh37 (hg19) VCF-style: chr7-66456254-A-G.
Other names: short protein forms M165T.
Identifiers: ClinVar variation 3950340 (VCV003950340.1).